The following is an entry in ClinVar:

ClinVar aggregate classification (germline): Uncertain significance. Review status: criteria provided, multiple submitters, no conflicts (2 of 4 stars). 4 submissions from 4 submitters: Uncertain significance (4). Last evaluated 2025-11-26.

Conditions:
Epidermolysis bullosa simplex 5B, with muscular dystrophy (EBS5B). Also called: Epidermolysis bullosa simplex with muscular dystrophy; EPIDERMOLYSIS BULLOSA SIMPLEX AND LIMB-GIRDLE MUSCULAR DYSTROPHY. Identifiers: Orphanet 257, MedGen C2931072, MONDO:0009181, OMIM 226670.
Epidermolysis bullosa simplex, Ogna type (EBS5A). Also called: Pidermolysis bullosa simplex 5A, Ogna type; EPIDERMOLYSIS BULLOSA SIMPLEX 5A, OGNA TYPE. Identifiers: Orphanet 79401, MedGen C0432317, MONDO:0007555, OMIM 131950.
Epidermolysis bullosa simplex 5C, with pyloric atresia (EBS5C). Also called: PLEC-Related Epidermolysis Bullosa with Pyloric Atresia; Epidermolysis bullosa simplex with pyloric atresia; PLEC1-Related Epidermolysis Bullosa with Pyloric Atresia. Identifiers: Orphanet 158684, MedGen C2677349, MONDO:0012807, OMIM 612138.
Epidermolysis bullosa simplex with nail dystrophy (EBS5D). Identifiers: MedGen C4225309, MONDO:0014661, OMIM 616487.
Autosomal recessive limb-girdle muscular dystrophy type 2Q (LGMDR17). Also called: MUSCULAR DYSTROPHY, LIMB-GIRDLE, AUTOSOMAL RECESSIVE 17. Identifiers: Orphanet 254361, MedGen C3150989, MONDO:0013390, OMIM 613723.
Inborn genetic diseases. Identifiers: MedGen C0950123, MeSH D030342.

Allele frequency attached by ClinVar (database versions not stated): gnomAD 0.00001; gnomAD exomes 0.00002; TOPMed 0.00002.
gnomAD v4.1: 38 of 1,613,802 alleles (0.0024%); highest among the groups gnomAD compares: Middle Eastern, 0.016%; no homozygotes.

Submissions (4):

Ambry Genetics
Classification: Uncertain significance for Inborn genetic diseases. Last evaluated: 2025-11-26. Review status: criteria provided, single submitter. Criteria: Ambry Variant Classification Scheme 2023. Collection method: clinical testing. Allele origin: germline.

Labcorp Genetics (formerly Invitae), Labcorp
Classification: Uncertain significance for Autosomal recessive limb-girdle muscular dystrophy type 2Q; Epidermolysis bullosa simplex, Ogna type; Epidermolysis bullosa simplex with nail dystrophy; Epidermolysis bullosa simplex 5C, with pyloric atresia; Epidermolysis bullosa simplex 5B, with muscular dystrophy. Last evaluated: 2024-04-25. Review status: criteria provided, single submitter. Criteria: Invitae Variant Classification Sherloc (09022015). Collection method: clinical testing. Allele origin: germline.
Comment: This sequence change replaces aspartic acid, which is acidic and polar, with asparagine, which is neutral and polar, at codon 4109 of the PLEC protein (p.Asp4109Asn). This variant is present in population databases (rs201221940, gnomAD 0.006%). This variant has not been reported in the literature in individuals affected with PLEC-related conditions. ClinVar contains an entry for this variant (Variation ID: 425451). Advanced modeling of protein sequence and biophysical properties (such as structural, functional, and spatial information, amino acid conservation, physicochemical variation, residue mobility, and thermodynamic stability) performed at Invitae indicates that this missense variant is not expected to disrupt PLEC protein function with a negative predictive value of 80%. In summary, the available evidence is currently insufficient to determine the role of this variant in disease. Therefore, it has been classified as a Variant of Uncertain Significance.

Revvity Omics, Revvity
Classification: Uncertain significance. Last evaluated: 2023-03-15. Review status: criteria provided, single submitter. Criteria: ACMG Guidelines, 2015. Collection method: clinical testing. Allele origin: germline.

CeGaT Center for Human Genetics Tuebingen
Classification: Uncertain significance. Last evaluated: 2016-11-01. Review status: criteria provided, single submitter. Criteria: CeGaT Center For Human Genetics Tuebingen Variant Classification Criteria Version 2. Collection method: clinical testing. Allele origin: germline. Affected: yes. Observed: 1 variant allele.

NM_201384.3(PLEC):c.12244G>A (p.Asp4082Asn)

Gene: PLEC (plectin; minus strand). Cytogenetic location: 8q24.3.
Variant type: single nucleotide variant.
Coding change: c.12244G>A on transcript NM_201384.3 (MANE Select); coding-DNA position 12244, G replaced by A.
Protein change: p.Asp4082Asn; replaces aspartic acid 4082 with asparagine.
Molecular consequence: missense variant.
Genome position (GRCh38, 1-based): chr8:143,917,577, C>T on the plus strand (G>A on the coding strand, the complement: PLEC is on the minus strand). VCF-style: chr8-143917577-C-T. GRCh37 (hg19) VCF-style: chr8-144991745-C-T.
Other names: c.12325G>A, p.Asp4109Asn (NM_000445.5); c.12202G>A, p.Asp4068Asn (NM_201378.4); c.12178G>A, p.Asp4060Asn (NM_201379.3); c.12655G>A, p.Asp4219Asn (NM_201380.4); c.12148G>A, p.Asp4050Asn (NM_201381.3); c.12244G>A, p.Asp4082Asn (NM_201382.4); c.12256G>A, p.Asp4086Asn (NM_201383.3); c.12325G>A (NM_000445.3); short protein forms D4050N, D4060N, D4068N, D4082N, D4086N, D4109N, D4219N.
Identifiers: ClinVar variation 425451 (VCV000425451.52), dbSNP rs201221940, ClinGen allele CA4924140.
Genomic context (GRCh38, chr8:143,917,577, plus strand): 5'-GGTAGGTGAGGTTCTCCTCCGTGTTAGGGTCAAAGAAGCCCTTGGTGTCGTCCGAGGGGT[C>T]GGTCAGGATCTCGTTCATCTCCTCATCGAAGAGGCCGCGCTTGTAGGCCACCTCCACGGG-3'
Protein context (NP_958786.1, residues 4072-4092): FDEEMNEILT[Asp4082Asn]PSDDTKGFFD